The following is an entry in ClinVar:

ClinVar aggregate classification (germline): Uncertain significance (1 of 4 stars; one submission).

Conditions:
Hereditary cancer-predisposing syndrome. Also called: Hereditary Cancer Syndrome; Neoplastic Syndromes, Hereditary; Tumor predisposition; Hereditary neoplastic syndrome. Identifiers: Orphanet 140162, MedGen C0027672, MeSH D009386, MONDO:0015356.

Submission:

Ambry Genetics
Classification: Uncertain significance for Hereditary cancer-predisposing syndrome. Last evaluated: 2022-02-08. Review status: criteria provided, single submitter. Criteria: Ambry Variant Classification Scheme 2023. Collection method: clinical testing. Allele origin: germline.
Comment: The p.T18P variant (also known as c.52A>C), located in coding exon 1 of the NTHL1 gene, results from an A to C substitution at nucleotide position 52. The threonine at codon 18 is replaced by proline, an amino acid with highly similar properties. This amino acid position is conserved. In addition, this alteration is predicted to be tolerated by in silico analysis. Since supporting evidence is limited at this time, the clinical significance of this alteration remains unclear.

NM_002528.7(NTHL1):c.28A>C (p.Thr10Pro)

Gene: NTHL1 (nth like DNA glycosylase 1; minus strand). Cytogenetic location: 16p13.3.
Variant type: single nucleotide variant.
Coding change: c.28A>C on transcript NM_002528.7 (MANE Select); coding-DNA position 28, A replaced by C.
Protein change: p.Thr10Pro; replaces threonine 10 with proline.
Molecular consequence: missense variant. On other transcripts: 5 prime UTR variant (1).
Genome position (GRCh38, 1-based): chr16:2,047,796, T>G on the plus strand (A>C on the coding strand, the complement: NTHL1 is on the minus strand). VCF-style: chr16-2047796-T-G. GRCh37 (hg19) VCF-style: chr16-2097797-T-G.
Other names: c.28A>C, p.Thr10Pro (NM_001318193.2); c.-151A>C (NM_001318194.2); short protein forms T10P.
Identifiers: ClinVar variation 1746683 (VCV001746683.2), dbSNP rs2150958551, ClinGen allele CA394298580.
Genomic context (GRCh38, chr16:2,047,796, plus strand): 5'-GCCCGGGCTCCTCCCTACACCCCCGCGGCCCAGCCCCGGGTCCCAGGCTCCGGCTCCGGG[T>G]CAGCATCCTCGCGCTCAAGGCGGTCATGCCGGACTCCTGCGGACTACACATCCCGGCGGC-3'
Protein context (NP_002519.2, residues 1-20): MTALSARML[Thr10Pro]RSRSLGPGAG